The following is an entry in ClinVar:

ClinVar aggregate classification (germline): Uncertain significance (1 of 4 stars; one submission).

Conditions:
FXYD2-related disorder. Also called: FXYD2-related condition.

Submission:

PreventionGenetics, part of Exact Sciences
Classification: Uncertain significance for FXYD2-related condition. Last evaluated: 2025-06-20. Review status: criteria provided, single submitter. Criteria: ACMG Guidelines, 2015. Collection method: clinical testing. Allele origin: germline.
Comment: The FXYD2 c.152G>C variant is predicted to result in the amino acid substitution p.Arg51Pro. To our knowledge, this variant has not been reported in the literature. This variant is reported in 0.0029% of alleles in individuals of Latino descent in gnomAD. At this time, the clinical significance of this variant is uncertain due to the absence of conclusive functional and genetic evidence.

NM_001680.5(FXYD2):c.152G>C (p.Arg51Pro)

Genes: FXYD2 (FXYD domain containing ion transport regulator 2; minus strand), FXYD6-FXYD2 (FXYD6-FXYD2 readthrough; minus strand). Cytogenetic location: 11q23.3.
Variant type: single nucleotide variant.
Coding change: c.152G>C on transcript NM_001680.5 (MANE Select); coding-DNA position 152, G replaced by C.
Protein change: p.Arg51Pro; replaces arginine 51 with proline.
Molecular consequence: missense variant. On other transcripts: synonymous variant (1).
Genome position (GRCh38, 1-based): chr11:117,820,883, C>G on the plus strand (G>C on the coding strand, the complement: FXYD2 is on the minus strand). VCF-style: chr11-117820883-C-G. GRCh37 (hg19) VCF-style: chr11-117691598-C-G.
Other names: c.386G>C, p.Arg129Pro (NM_001204268.3); c.324G>C, p.Pro108= (NM_001243598.4); c.146G>C, p.Arg49Pro (NM_021603.4); short protein forms R129P, R51P, R49P.
Identifiers: ClinVar variation 5001871 (VCV005001871.1).